The following is an entry in ClinVar:

NM_147191.1(MMP21):c.838G>A (p.Val280Met)

Gene: MMP21 (matrix metallopeptidase 21; minus strand). Cytogenetic location: 10q26.2.
Variant type: single nucleotide variant.
Coding change: c.838G>A on transcript NM_147191.1 (MANE Select); coding-DNA position 838, G replaced by A.
Protein change: p.Val280Met; replaces valine 280 with methionine.
Molecular consequence: missense variant.
Genome position (GRCh38, 1-based): chr10:125,772,359, C>T on the plus strand (G>A on the coding strand, the complement: MMP21 is on the minus strand). VCF-style: chr10-125772359-C-T. GRCh37 (hg19) VCF-style: chr10-127460928-C-T.
Other names: short protein forms V280M.
Identifiers: ClinVar variation 5017398 (VCV005017398.1).

ClinVar aggregate classification (germline): Uncertain significance (1 of 4 stars; one submission).

Submission:

GeneDx
Classification: Uncertain significance. Last evaluated: 2026-03-29. Review status: criteria provided, single submitter. Criteria: GeneDx Variant Classification Process June 2021. Collection method: clinical testing. Allele origin: germline.
Comment: Not observed at significant frequency in large population cohorts (gnomAD); In silico analysis supports that this missense variant has a deleterious effect on protein structure/function; Has not been previously published as pathogenic or benign to our knowledge